The following is an entry in ClinVar:

NM_177398.4(LMX1A):c.766C>T (p.Arg256Ter)

Genes: LMX1A (LIM homeobox transcription factor 1 alpha; minus strand), LMX1A-AS2 (LMX1A antisense RNA 2; plus strand). Cytogenetic location: 1q23.3.
Variant type: single nucleotide variant.
Coding change: c.766C>T on transcript NM_177398.4 (MANE Select); coding-DNA position 766, C replaced by T.
Protein change: p.Arg256Ter; replaces arginine 256 with a stop codon.
Molecular consequence: nonsense.
Genome position (GRCh38, 1-based): chr1:165,208,114, G>A on the plus strand (C>T on the coding strand, the complement: LMX1A is on the minus strand). VCF-style: chr1-165208114-G-A. GRCh37 (hg19) VCF-style: chr1-165177351-G-A.
Other names: c.766C>T (NM_177398.3); c.766C>T, p.Arg256Ter (NM_001174069.2); short protein forms R256*.
Identifiers: ClinVar variation 2576012 (VCV002576012.3), dbSNP rs1310771479, ClinGen allele CA343476116.

ClinVar aggregate classification (germline): Pathogenic/Likely pathogenic. Review status: criteria provided, multiple submitters, no conflicts (2 of 4 stars). 3 submissions from 3 submitters: Pathogenic (1); Likely pathogenic (2). Last evaluated 2026-07-20.

Conditions:
LMX1A-related disorder. Also called: LMX1A-related condition.

Allele frequency attached by ClinVar (database versions not stated): TOPMed 0.00001; gnomAD 0.00001.
gnomAD v4.1: 3 of 1,613,724 alleles (0.00019%); highest among the groups gnomAD compares: Non-Finnish European, 0.00025%; no homozygotes.

Submissions (3):

Ambry Genetics
Classification: Pathogenic. Last evaluated: 2026-07-20. Review status: criteria provided, single submitter. Criteria: Ambry Variant Classification Scheme 2023. Collection method: clinical testing. Allele origin: germline.
Comment: The c.766C>T (p.R256*) alteration, located in exon 7 (coding exon 6) of the LMX1A gene, consists of a C to T substitution at nucleotide position 766. This changes the amino acid from an arginine (R) to a stop codon at amino acid position 256. This variant is expected to result in loss of function by premature protein truncation or nonsense-mediated mRNA decay. This variant was not reported in population-based cohorts in the Genome Aggregation Database (gnomAD). Based on the available evidence, this alteration is classified as pathogenic.

Institute for Clinical Genetics, University Hospital TU Dresden, University Hospital TU Dresden
Classification: Likely pathogenic. Last evaluated: 2023-02-22. Review status: criteria provided, single submitter. Criteria: ACMG Guidelines, 2015. Collection method: clinical testing. Allele origin: germline.
Comment: PVS1, PM2_SUP

Blueprint Genetics
Classification: Likely pathogenic for LMX1A-related disorders. Last evaluated: 2022-11-02. Review status: criteria provided, single submitter. Criteria: ACMG Guidelines, 2015. Collection method: clinical testing. Allele origin: germline. Affected: yes. Observed: 1 variant allele.